The following is an entry in ClinVar:

ClinVar aggregate classification (germline): Benign. Review status: criteria provided, multiple submitters, no conflicts (2 of 4 stars). 3 submissions from 3 submitters: Benign (3). Last evaluated 2021-07-15.

Conditions:
Brugada syndrome 7 (BRGDA7). Identifiers: Orphanet 130, MedGen C2751088, MONDO:0013146, OMIM 613120.

Allele frequency attached by ClinVar (database versions not stated): gnomAD 0.66532 and 0.66799; ESP Exome Variant Server 0.66897; TOPMed 0.68918; 1000 Genomes Project 0.75060; 1000 Genomes Project 30x 0.75281; gnomAD exomes 0.58116 and 0.61963; ExAC 0.62759.
gnomAD v4.1: 903,342 of 1,528,848 alleles (59%); highest among the groups gnomAD compares: African/African-American, 91%; 274,360 homozygotes.

Submissions (3):

Genome-Nilou Lab
Classification: Benign for Brugada syndrome 7. Last evaluated: 2021-07-15. Review status: criteria provided, single submitter. Criteria: ACMG Guidelines, 2015. Collection method: clinical testing. Allele origin: germline. Affected: no.

GeneDx
Classification: Benign. Last evaluated: 2018-06-19. Review status: criteria provided, single submitter. Criteria: GeneDx Variant Classification (06012015). Collection method: clinical testing. Allele origin: germline. Affected: yes.
Comment: This variant is considered likely benign or benign based on one or more of the following criteria: it is a conservative change, it occurs at a poorly conserved position in the protein, it is predicted to be benign by multiple in silico algorithms, and/or has population frequency not consistent with disease.

Breakthrough Genomics
Classification: Benign. Review status: criteria provided, single submitter. Criteria: ACMG Guidelines, 2015. Collection method: not provided. Allele origin: germline. Inheritance: Autosomal dominant inheritance. Affected: yes.

NM_001040151.2(SCN3B):c.585-45G>C

Gene: SCN3B (sodium voltage-gated channel beta subunit 3; minus strand). Cytogenetic location: 11q24.1.
Variant type: single nucleotide variant.
Coding change: c.585-45G>C on transcript NM_001040151.2 (MANE Select); 45 bases into the intron before coding-DNA position 585, G replaced by C.
Molecular consequence: intron variant.
Genome position (GRCh38, 1-based): chr11:123,634,251, C>G on the plus strand (G>C on the coding strand, the complement: SCN3B is on the minus strand). VCF-style: chr11-123634251-C-G. GRCh37 (hg19) VCF-style: chr11-123504959-C-G.
Other names: c.585-45G>C (NM_018400.4).
Identifiers: ClinVar variation 670950 (VCV000670950.4), dbSNP rs1148110, ClinGen allele CA6333976.